The following is an entry in ClinVar:

ClinVar aggregate classification (germline): Pathogenic/Likely pathogenic. Review status: criteria provided, multiple submitters, no conflicts (2 of 4 stars). 5 submissions from 5 submitters: Pathogenic (3); Likely pathogenic (1). 1 of the submissions does not count toward it. Last evaluated 2025-09-19.

Conditions:
Developmental and epileptic encephalopathy 96. Identifiers: MedGen C5543446, MONDO:0023659, OMIM 619340.

Submissions (5):

GeneDx
Classification: Pathogenic. Last evaluated: 2025-09-19. Review status: criteria provided, single submitter. Criteria: GeneDx Variant Classification Process June 2021. Collection method: clinical testing. Allele origin: germline. Affected: yes.
Comment: Published functional studies demonstrate impairment of the recycling vesicular membrane proteins and enlarged vesicular proteins in response to exocytosis (PMID: 36645181); Not observed at significant frequency in large population cohorts (gnomAD); In silico analysis supports that this missense variant has a deleterious effect on protein structure/function; This variant is associated with the following publications: (PMID: 37767567, 38502138, 31675180, 36645181)

Daryl Scott Lab, Baylor College of Medicine
Classification: Pathogenic for Developmental and epileptic encephalopathy 96. Last evaluated: 2023-11-10. Review status: criteria provided, single submitter. Criteria: ACMG Guidelines, 2015. Collection method: clinical testing. Allele origin: de novo. Affected: yes.

CeGaT Center for Human Genetics Tuebingen
Classification: Likely pathogenic. Last evaluated: 2022-08-01. Review status: criteria provided, single submitter. Criteria: CeGaT Center For Human Genetics Tuebingen Variant Classification Criteria Version 2. Collection method: clinical testing. Allele origin: germline. Affected: yes. Observed: 1 variant allele.
Comment: NSF: PS2, PM2, PP3

Juno Genomics, Hangzhou Juno Genomics, Inc
Classification: Pathogenic for Developmental and epileptic encephalopathy 96. Review status: criteria provided, single submitter. Criteria: ACMG Guidelines, 2015. Collection method: clinical testing. Allele origin: germline. Affected: yes.
Comment: Absent from controls (or at extremely low frequency if recessive) in Genome Aggregation Database, Exome Sequencing Project, 1000 Genomes Project, or Exome Aggregation Consortium.;Multiple lines of computational evidence support a deleterious effect on the gene or gene product (conservation, evolutionary, splicing impact, etc).;Missense variant in a gene that has a low rate of benign missense variation and where missense variants are a common mechanism of disease.;The prevalence of the variant in affected individuals is significantly increased compared to the prevalence in controls.;De novo (both maternity and paternity confirmed) in a patient with the disease and no family history.;Patient's phenotype or family history is highly specific for a disease with a single genetic etiology.

OMIM
Classification: Pathogenic for DEVELOPMENTAL AND EPILEPTIC ENCEPHALOPATHY 96. Last evaluated: 2021-05-28. Review status: no assertion criteria provided. Collection method: literature only. Allele origin: germline. Not counted in ClinVar's aggregate classification.

Literature cited by the submitters: PubMed 31675180 (cited by OMIM).

NM_006178.4(NSF):c.1688C>T (p.Pro563Leu)

Genes: LRRC37A2 (leucine rich repeat containing 37 member A2), NSF (N-ethylmaleimide sensitive factor, vesicle fusing ATPase; plus strand). Cytogenetic location: 17q21.31.
Variant type: single nucleotide variant.
Coding change: c.1688C>T on transcript NM_006178.4 (MANE Select); coding-DNA position 1688, C replaced by T.
Protein change: p.Pro563Leu; replaces proline 563 with leucine.
Molecular consequence: missense variant. On other transcripts: non-coding transcript variant (1).
Genome position (GRCh38, 1-based): chr17:46,713,913, C>T. VCF-style: chr17-46713913-C-T. GRCh37 (hg19) VCF-style: chr17-44791279-C-T.
Other names: short protein forms P563L.
Identifiers: ClinVar variation 1120202 (VCV001120202.34), dbSNP rs2146266663, ClinGen allele CA399989202.
Genomic context (GRCh38, chr17:46,713,913, plus strand): 5'-GCCCTCCTCACAGTGGGAAGACTGCTTTAGCTGCAAAAATTGCAGAGGAATCCAACTTCC[C>T]GTTCATCAAGATCTGTTCTCCTGATAAAATGATTGGCTTTTCTGAAACAGCCAAATGTCA-3'
Protein context (NP_006169.2, residues 553-573): AAKIAEESNF[Pro563Leu]FIKICSPDKM